The following is an entry in ClinVar:

NM_001004311.3(FIGLA):c.237_239del (p.Lys79del)

Gene: FIGLA (folliculogenesis specific bHLH transcription factor; minus strand). Cytogenetic location: 2p13.3.
Variant type: Deletion.
Coding change: c.237_239del on transcript NM_001004311.3 (MANE Select); coding-DNA positions 237 to 239, 3 bases deleted (AAA; older notation c.237_239delAAA).
Protein change: p.Lys79del; deletes lysine 79.
Molecular consequence: inframe deletion.
Genome position (GRCh38, 1-based): chr2:70,787,794-70,787,796, TTT deleted on the plus strand (AAA on the coding strand, the reverse complement: FIGLA is on the minus strand); deleting any 3 consecutive bases within chr2:70,787,794-70,787,799 gives the same sequence; the c. name uses the placement nearest the transcript's 3' end. VCF-style (leftmost placement, unchanged base first): chr2-70787793-ATTT-A. GRCh37 (hg19) VCF-style: chr2-71014925-ATTT-A.
Other names: c.237_239delAAA (NM_001004311.3); short protein forms K79del.
Identifiers: ClinVar variation 4997843 (VCV004997843.1).

ClinVar aggregate classification (germline): Uncertain significance (1 of 4 stars; one submission).

Conditions:
FIGLA-related condition.

Submission:

PreventionGenetics, part of Exact Sciences
Classification: Uncertain significance for FIGLA-related condition. Last evaluated: 2024-12-05. Review status: criteria provided, single submitter. Criteria: ACMG Guidelines, 2015. Collection method: clinical testing. Allele origin: germline.
Comment: The FIGLA c.237_239delAAA variant is predicted to result in an in-frame deletion (p.Lys79del). To our knowledge, this variant has not been reported in the literature or in a large population database (gnomAD), indicating this variant is rare. At this time, the clinical significance of this variant is uncertain due to the absence of conclusive functional and genetic evidence.